The following is an entry in ClinVar:

NM_153717.3(EVC):c.618-1G>A

Gene: EVC (EvC ciliary complex subunit 1; plus strand). Cytogenetic location: 4p16.2.
Variant type: single nucleotide variant.
Coding change: c.618-1G>A on transcript NM_153717.3 (MANE Select); the canonical splice acceptor site of the intron before coding-DNA position 618, G replaced by A.
Molecular consequence: splice acceptor variant.
Genome position (GRCh38, 1-based): chr4:5,733,350, G>A. VCF-style: chr4-5733350-G-A. GRCh37 (hg19) VCF-style: chr4-5735077-G-A.
Other names: c.618-1G>A (NM_001306090.2, NM_001306092.2).
Identifiers: ClinVar variation 3590630 (VCV003590630.3).

ClinVar aggregate classification (germline): Pathogenic/Likely pathogenic. Review status: criteria provided, multiple submitters, no conflicts (2 of 4 stars). 2 submissions from 2 submitters: Pathogenic (1); Likely pathogenic (1). Last evaluated 2024-03-03.

Conditions:
Curry-Hall syndrome (WAD). Also called: WEYERS ACRODENTAL DYSOSTOSIS. Identifiers: Orphanet 952, MedGen C0457013, MONDO:0008673, OMIM 193530.
Ellis-van Creveld syndrome (EVC). Also called: MESOECTODERMAL DYSPLASIA; Chondroectodermal dysplasia; EVC-Related Ellis-van Creveld Syndrome; EVC2-Related Ellis-van Creveld Syndrome. Identifiers: Orphanet 289, MedGen C0013903, MONDO:0009162, OMIM 225500.

gnomAD v4.1: 1 of 1,613,298 alleles (0.000062%); highest among the groups gnomAD compares: Non-Finnish European, 0.000085%; no homozygotes.

Submissions (2):

Labcorp Genetics (formerly Invitae), Labcorp
Classification: Pathogenic for Curry-Hall syndrome; Ellis-van Creveld syndrome. Last evaluated: 2024-03-03. Review status: criteria provided, single submitter. Criteria: Invitae Variant Classification Sherloc (09022015). Collection method: clinical testing. Allele origin: germline.
Comment: This sequence change affects an acceptor splice site in intron 4 of the EVC gene. It is expected to disrupt RNA splicing. Variants that disrupt the donor or acceptor splice site typically lead to a loss of protein function (PMID: 16199547), and loss-of-function variants in EVC are known to be pathogenic (PMID: 23220543). This variant is not present in population databases (gnomAD no frequency). Disruption of this splice site has been observed in individuals with Ellis-van Creveld syndrome (PMID: 23220543). Algorithms developed to predict the effect of sequence changes on RNA splicing suggest that this variant may disrupt the consensus splice site. For these reasons, this variant has been classified as Pathogenic.

Fulgent Genetics
Classification: Likely pathogenic for Curry-Hall syndrome; Ellis-van Creveld syndrome. Last evaluated: 2024-01-23. Review status: criteria provided, single submitter. Criteria: ACMG Guidelines, 2015. Collection method: clinical testing. Allele origin: germline.

Literature cited by the submitters: PubMed 16199547 (cited by Labcorp Genetics (formerly Invitae), Labcorp); PubMed 23220543 (cited by Labcorp Genetics (formerly Invitae), Labcorp).